The following is an entry in ClinVar:

NM_006415.4(SPTLC1):c.112CTT[1] (p.Leu39del)

Gene: SPTLC1 (serine palmitoyltransferase long chain base subunit 1; minus strand). Cytogenetic location: 9q22.31.
Variant type: Microsatellite.
Coding change: c.112CTT[1] on transcript NM_006415.4 (MANE Select); one copy of the 3-base unit CTT starting at c.112; the reference has two copies in a row; one copy, 3 bases deleted; also written c.115_117del.
Protein change: p.Leu39del; deletes leucine 39.
Molecular consequence: inframe deletion. On other transcripts: 5 prime UTR variant (2).
Genome position (GRCh38, 1-based): chr9:92,112,503-92,112,505, AAG deleted on the plus strand (CTT on the coding strand, the reverse complement: SPTLC1 is on the minus strand); deleting any 3 consecutive bases within chr9:92,112,503-92,112,508 gives the same sequence; the position shown is the placement nearest the transcript's 3' end. VCF-style (leftmost placement, unchanged base first): chr9-92112502-AAAG-A. GRCh37 (hg19) VCF-style: chr9-94874784-AAAG-A.
Other names: c.115_117del (NM_006415.4); c.112CTT[1], p.Leu39del (NM_001281303.2, NM_178324.3); c.-388CTT[1] (NM_001368272.1); c.-354CTT[1] (NM_001368273.1); c.115_117delCTT (NM_006415.4); short protein forms L39del.
Identifiers: ClinVar variation 802489 (VCV000802489.17), dbSNP rs1197928094, ClinGen allele CA589164559.

ClinVar aggregate classification (germline): Pathogenic/Likely pathogenic. Review status: criteria provided, multiple submitters, no conflicts (2 of 4 stars). 8 submissions from 8 submitters: Pathogenic (3); Likely pathogenic (3). 2 of the submissions do not count toward it. Last evaluated 2023-11-16.

Conditions:
Hereditary sensory and autonomic neuropathy type 1 (HSAN1). Also called: HSAN 1; HSN Type I; Hereditary Sensory Neuropathy Type I. Identifiers: Orphanet 36386, MedGen C0020071, MONDO:0018213.
Proximal lower limb amyotrophy. Identifiers: MedGen C1836767, HP:0008956.
Muscle spasm. Also called: Muscle cramps; spasm of muscle. Identifiers: MedGen C0037763, HP:0003394.
EMG abnormality. Identifiers: MedGen C0476403, HP:0003457.
Proximal muscle weakness. Identifiers: MedGen C0221629, HP:0003701.
Falls. Identifiers: MedGen C0085639, HP:0002527.
Amyotrophic lateral sclerosis 27, juvenile (ALS27). Identifiers: MedGen C5830359, MONDO:0859529, OMIM 620285.
Neuropathy, hereditary sensory and autonomic, type 1A (HSAN1A). Also called: SPTLC1-Related Hereditary Sensory Neuropathy; NEUROPATHY, HEREDITARY SENSORY AND AUTONOMIC, TYPE IA; HSAN IA; HSN IA; NEUROPATHY, HEREDITARY SENSORY RADICULAR, AUTOSOMAL DOMINANT, TYPE 1A. Identifiers: MedGen C5235211, MONDO:0008086, OMIM 162400.

Submissions (8):

Illumina Laboratory Services, Illumina
Classification: Pathogenic for Amyotrophic lateral sclerosis 27, juvenile. Last evaluated: 2023-11-16. Review status: criteria provided, single submitter. Criteria: ICSLVariantClassificationCriteria RUGD 01 April 2020. Collection method: clinical testing. Allele origin: unknown.
Comment: The SPTLC1 c.115_117del p.(Leu39del) variant results in an in-frame deletion and has been identified in individuals with a juvenile-onset ALS phenotype, including two individuals in whom the variant occurred in a de novo state (PMID: 34059824; 34459874; 37497262). The c.115_117del variant was also shown to segregate with disease in one family that included four affected children with juvenile-onset ALS and father with mild sensorimotor axonal neuropathy (PMID: 34059824). This variant is reported in the Genome Aggregation Database in one allele at a frequency of 0.000009 in the European (non-Finnish) population (version 2.1.1). The c.115_117del variant is located in exon 2, which encodes the transmembrane domain and is a hotspot for SPTLC1-ALS variants (PMID: 34059824; 35900868). Functional studies in cell lines demonstrated that the p.Leu39del variant impairs binding of the negative regulator ORMDLs to the holoenzyme complex, resulting in increased canonical sphingolipid synthesis and a distinct lipid signature that is also observed in patient plasma sphingolipid analysis (PMID: 35900868). Based on the available evidence, the c.115_117del p.(Leu39del) variant is classified as pathogenic for SPTLC1-related disorders.

Institute of Human Genetics Munich, TUM University Hospital
Classification: Likely pathogenic for Proximal lower limb amyotrophy; Proximal muscle weakness; EMG abnormality; Falls; Muscle spasm. Last evaluated: 2022-03-01. Review status: criteria provided, single submitter. Criteria: Classification criteria August 2017. Collection method: clinical testing. Allele origin: germline. Inheritance: Autosomal dominant inheritance. Affected: yes. Observed: 1 variant allele.

Revvity Omics, Revvity
Classification: Pathogenic. Last evaluated: 2021-11-15. Review status: criteria provided, single submitter. Criteria: ACMG Guidelines, 2015. Collection method: clinical testing. Allele origin: germline.

Labcorp Genetics (formerly Invitae), Labcorp
Classification: Pathogenic for Hereditary sensory and autonomic neuropathy type 1. Last evaluated: 2021-09-24. Review status: criteria provided, single submitter. Criteria: Invitae Variant Classification Sherloc (09022015). Collection method: clinical testing. Allele origin: germline.
Comment: For these reasons, this variant has been classified as Pathogenic. Experimental studies have shown that this variant affects SPTLC1 function (PMID: 34059824). Algorithms developed to predict the effect of variants on protein structure and function are not available or were not evaluated for this variant. This variant has been observed in individual(s) with juvenile ALS (PMID: 34059824; Invitae). In at least one individual the variant was observed to be de novo. It has also been observed to segregate with disease in related individuals. This variant is not present in population databases (ExAC no frequency). This variant, c.115_117del, results in the deletion of 1 amino acid(s) of the SPTLC1 protein (p.Leu39del), but otherwise preserves the integrity of the reading frame.

GeneDx
Classification: Likely pathogenic. Last evaluated: 2019-08-14. Review status: criteria provided, single submitter. Criteria: GeneDx Variant Classification Process June 2021. Collection method: clinical testing. Allele origin: germline. Affected: yes.
Comment: Not observed at a significant frequency in large population cohorts (Lek et al., 2016); In-frame deletion of 1 amino acid in a non-repeat region; Has not been previously published as pathogenic or benign to our knowledge; This variant is associated with the following publications: (PMID: 34059824)

Mendelics
Classification: Likely pathogenic for Neuropathy, hereditary sensory and autonomic, type 1A. Last evaluated: 2019-05-28. Review status: criteria provided, single submitter. Criteria: Mendelics Assertion Criteria 2017. Collection method: clinical testing. Allele origin: unknown.

OMIM
Classification: Pathogenic for AMYOTROPHIC LATERAL SCLEROSIS 27, JUVENILE. Last evaluated: 2023-03-16. Review status: no assertion criteria provided. Collection method: literature only. Allele origin: germline. Not counted in ClinVar's aggregate classification.

Solve-RD Consortium
Classification: Likely pathogenic for Neuropathy, hereditary sensory and autonomic, type 1A. Last evaluated: 2022-06-01. Review status: no assertion criteria provided. Collection method: provider interpretation. Allele origin: inherited. Affected: yes. Not counted in ClinVar's aggregate classification.
Comment: Variant confirmed as disease-causing by referring clinical team

Variant identified during reanalysis of unsolved cases by the Solve-RD project. The Solve-RD project has received funding from the European Union’s Horizon 2020 research and innovation programme under grant agreement No 779257.

Literature cited by the submitters: PubMed 34059824 (cited by 3 submitters); PubMed 34459874 (cited by Illumina Laboratory Services, Illumina); PubMed 37497262 (cited by Illumina Laboratory Services, Illumina); PubMed 35900868 (cited by Illumina Laboratory Services, Illumina); PubMed 39825153 (cited by Solve-RD Consortium).